The following is an entry in ClinVar:

NM_001103.4(ACTN2):c.1990T>A (p.Ser664Thr)

Gene: ACTN2 (actinin alpha 2; plus strand). Cytogenetic location: 1q43.
Variant type: single nucleotide variant.
Coding change: c.1990T>A on transcript NM_001103.4 (MANE Select); coding-DNA position 1990, T replaced by A.
Protein change: p.Ser664Thr; replaces serine 664 with threonine.
Molecular consequence: missense variant.
Genome position (GRCh38, 1-based): chr1:236,755,034, T>A. VCF-style: chr1-236755034-T-A. GRCh37 (hg19) VCF-style: chr1-236918334-T-A.
Other names: c.1990T>A, p.Ser664Thr (NM_001278343.2); c.1366T>A, p.Ser456Thr (NM_001278344.2); c.1240T>A, p.Ser414Thr (NM_001412150.1); short protein forms S456T, S664T, S414T.
Identifiers: ClinVar variation 1783973 (VCV001783973.2), dbSNP rs2527646897, ClinGen allele CA345387414.
Genomic context (GRCh38, chr1:236,755,034, plus strand): 5'-ACTTCACTCTGCTTCTCTCTCTGCTTGCTCACTCGCCCCCCTCAGGAGATTGCCCGGAGC[T>A]CCATCCAGATCACAGGAGCCCTGGAAGACCAGATGAACCAGCTGAAGCAGTATGAGCACA-3'
Protein context (NP_001094.1, residues 654-674): QNKMEEIARS[Ser664Thr]IQITGALEDQ

ClinVar aggregate classification (germline): Uncertain significance (1 of 4 stars; one submission).

Conditions:
Cardiovascular phenotype. Identifiers: MedGen CN230736.

gnomAD v4.1: 2 of 1,614,156 alleles (0.00012%); highest among the groups gnomAD compares: Non-Finnish European, 0.000085%; no homozygotes.

Submission:

Ambry Genetics
Classification: Uncertain significance for Cardiovascular phenotype. Last evaluated: 2020-07-22. Review status: criteria provided, single submitter. Criteria: Ambry Variant Classification Scheme 2023. Collection method: clinical testing. Allele origin: germline.
Comment: The p.S664T variant (also known as c.1990T>A), located in coding exon 17 of the ACTN2 gene, results from a T to A substitution at nucleotide position 1990. The serine at codon 664 is replaced by threonine, an amino acid with similar properties. This amino acid position is well conserved in available vertebrate species. In addition, this alteration is predicted to be tolerated by in silico analysis. Since supporting evidence is limited at this time, the clinical significance of this alteration remains unclear.